The following is an entry in ClinVar:

ClinVar aggregate classification (germline): Uncertain significance (1 of 4 stars; one submission).

Conditions:
Cardiovascular phenotype. Identifiers: MedGen CN230736.

gnomAD v4.1: 2 of 1,549,832 alleles (0.00013%); highest among the groups gnomAD compares: African/African-American, 0.0027%; no homozygotes.

Submission:

Ambry Genetics
Classification: Uncertain significance for Cardiovascular phenotype. Last evaluated: 2025-05-14. Review status: criteria provided, single submitter. Criteria: Ambry Variant Classification Scheme 2023. Collection method: clinical testing. Allele origin: germline.
Comment: The p.Q624E variant (also known as c.1870C>G), located in coding exon 1 of the ZNF469 gene, results from a C to G substitution at nucleotide position 1870. The glutamine at codon 624 is replaced by glutamic acid, an amino acid with highly similar properties. This amino acid position is conserved. In addition, this alteration is predicted to be tolerated by in silico analysis. Since supporting evidence is limited at this time, the clinical significance of this alteration remains unclear.

NM_001367624.2(ZNF469):c.1870C>G (p.Gln624Glu)

Gene: ZNF469 (zinc finger protein 469; plus strand). Cytogenetic location: 16q24.2.
Variant type: single nucleotide variant.
Coding change: c.1870C>G on transcript NM_001367624.2 (MANE Select); coding-DNA position 1870, C replaced by G.
Protein change: p.Gln624Glu; replaces glutamine 624 with glutamic acid.
Molecular consequence: missense variant.
Genome position (GRCh38, 1-based): chr16:88,429,340, C>G. VCF-style: chr16-88429340-C-G. GRCh37 (hg19) VCF-style: chr16-88495748-C-G.
Other names: NM_001127464.1:c.1870C>G; short protein forms Q624E.
Identifiers: ClinVar variation 2497313 (VCV002497313.3), dbSNP rs759028761, ClinGen allele CA8224719.